The following is an entry in ClinVar:

ClinVar aggregate classification (germline): Uncertain significance (1 of 4 stars; one submission).

Conditions:
Hypertrichotic osteochondrodysplasia Cantu type. Also called: Cantu Syndrome; Cantú Syndrome. Identifiers: Orphanet 1517, MedGen C0795905, MONDO:0009406, OMIM 239850.

gnomAD v4.1: 2 of 1,613,976 alleles (0.00012%); highest among the groups gnomAD compares: Non-Finnish European, 0.00017%; no homozygotes.

Submission:

Dasa
Classification: Uncertain significance for Hypertrichotic osteochondrodysplasia Cantu type. Last evaluated: 2026-01-01. Review status: criteria provided, single submitter. Criteria: DASA Assertion Criteria. Collection method: clinical testing. Allele origin: germline.
Comment: NM_020297.4(ABCC9):c.1939C>A (p.Pro647Thr) is a missense variant that results in the substitution of proline with threonine. This variant is rare in population databases. The currently available literature and clinical evidence are not sufficient to establish a definitive association between this variant and the reported condition. Therefore, this variant is classified as a variant of uncertain significance.

NM_020297.4(ABCC9):c.1939C>A (p.Pro647Thr)

Gene: ABCC9 (ATP binding cassette subfamily C member 9; minus strand). Cytogenetic location: 12p12.1.
Variant type: single nucleotide variant.
Coding change: c.1939C>A on transcript NM_020297.4 (MANE Select); coding-DNA position 1939, C replaced by A.
Protein change: p.Pro647Thr; replaces proline 647 with threonine.
Molecular consequence: missense variant.
Genome position (GRCh38, 1-based): chr12:21,882,846, G>T on the plus strand (C>A on the coding strand, the complement: ABCC9 is on the minus strand). VCF-style: chr12-21882846-G-T. GRCh37 (hg19) VCF-style: chr12-22035780-G-T.
Other names: c.1939C>A, p.Pro647Thr (NM_005691.4, NM_001377273.1); c.1075C>A, p.Pro359Thr (NM_001377274.1); short protein forms P359T, P647T.
Identifiers: ClinVar variation 4882846 (VCV004882846.2).